The following is an entry in ClinVar:

NM_001128164.2(ATXN1):c.623_624insTCA (p.Gln207_Gln208insHis)

Genes: ATXN1 (ataxin 1; minus strand), LOC108663993 (ataxin 1 repeat instability region; plus strand). Cytogenetic location: 6p22.3.
Variant type: Insertion.
Coding change: c.623_624insTCA on transcript NM_001128164.2 (MANE Select); coding-DNA positions 623 to 624, TCA inserted.
Protein change: p.Gln207_Gln208insHis.
Molecular consequence: inframe insertion. On other transcripts: 3 prime UTR variant (1).
Genome position: GRCh38 VCF-style: chr6-16327687-C-CTGA. GRCh37 (hg19) VCF-style: chr6-16327918-C-CTGA.
Other names: c.623_624insTCA, p.Gln207_Gln208insHis (NM_000332.4); c.*36_*37insTCA (NM_001357857.2).
Identifiers: ClinVar variation 2656252 (VCV002656252.25), dbSNP rs750728642, ClinGen allele CA3645572.
Genomic context (GRCh38, chr6:16,327,687, plus strand): 5'-GCTGAGGTGCTGCTGCTGCTGCTGCTGCTGCTGCTGCTGCTGCTGCTGCTGATGCTGATG[C>CTGA]TGCTGCTGCTGCTGCTGCTGCTGCTGCTGCTGCTGCTCAGCCTTGTGTCCCGGCGTCTGG-3'

ClinVar aggregate classification (germline): Benign/Likely benign. Review status: criteria provided, multiple submitters, no conflicts (2 of 4 stars). 2 submissions from 2 submitters: Benign (1); Likely benign (1). Last evaluated 2024-11-26.

Submissions (2):

Blueprint Genetics
Classification: Likely benign. Last evaluated: 2024-11-26. Review status: criteria provided, single submitter. Criteria: ACMG Guidelines, 2015. Collection method: clinical testing. Allele origin: germline.

CeGaT Center for Human Genetics Tuebingen
Classification: Benign. Last evaluated: 2022-12-01. Review status: criteria provided, single submitter. Criteria: CeGaT Center For Human Genetics Tuebingen Variant Classification Criteria Version 2. Collection method: clinical testing. Allele origin: germline. Affected: yes. Observed: 1 variant allele.
Comment: ATXN1: BS1, BS2